The following is an entry in ClinVar:

NM_020366.4(RPGRIP1):c.3140_3141delinsTT (p.Ser1047Ile)

Gene: RPGRIP1 (RPGR interacting protein 1; plus strand). Cytogenetic location: 14q11.2.
Variant type: Indel.
Coding change: c.3140_3141delinsTT on transcript NM_020366.4 (MANE Select); coding-DNA positions 3140 to 3141, GC replaced by TT.
Protein change: p.Ser1047Ile; replaces serine 1047 with isoleucine.
Molecular consequence: missense variant.
Genome position (GRCh38, 1-based): chr14:21,330,289-21,330,290, GC replaced by TT. VCF-style: chr14-21330289-GC-TT. GRCh37 (hg19) VCF-style: chr14-21798448-GC-TT.
Other names: c.1118_1119delinsTT, p.Ser373Ile (NM_001377523.1); c.2066_2067delinsTT, p.Ser689Ile (NM_001377948.1); c.1226_1227delinsTT, p.Ser409Ile (NM_001377949.1); c.1115_1116delinsTT, p.Ser372Ile (NM_001377950.1); c.620_621delinsTT, p.Ser207Ile (NM_001377951.1); short protein forms S372I, S409I, S207I, S373I, S1047I, S689I.
Identifiers: ClinVar variation 1041837 (VCV001041837.6), dbSNP rs1883601117, ClinGen allele CA2122466464.

ClinVar aggregate classification (germline): Uncertain significance (1 of 4 stars; one submission).

Conditions:
Leber congenital amaurosis 6 (LCA6). Identifiers: Orphanet 65, MedGen C1854260, MONDO:0013446, OMIM 613826.
Cone-rod dystrophy 13 (CORD13). Identifiers: Orphanet 1872, MedGen C2750720, MONDO:0011987, OMIM 608194.

Submission:

Labcorp Genetics (formerly Invitae), Labcorp
Classification: Uncertain significance for Leber congenital amaurosis 6; Cone-rod dystrophy 13. Last evaluated: 2024-11-04. Review status: criteria provided, single submitter. Criteria: Invitae Variant Classification Sherloc (09022015). Collection method: clinical testing. Allele origin: germline.
Comment: This variant, c.3140_3141delinsTT, is a complex sequence change that results in the deletion of serine and insertion of isoleucine amino acid(s) in the RPGRIP1 protein (p.Ser1047Ile). Information on the frequency of this variant in the gnomAD database is not available, as this variant may be reported differently in the database. This variant has not been reported in the literature in individuals affected with RPGRIP1-related conditions. ClinVar contains an entry for this variant (Variation ID: 1041837). An algorithm developed to predict the effect of missense changes on protein structure and function (PolyPhen-2) suggests that this variant is likely to be tolerated. In summary, the available evidence is currently insufficient to determine the role of this variant in disease. Therefore, it has been classified as a Variant of Uncertain Significance.